The following is an entry in ClinVar:

ClinVar aggregate classification (germline): Likely benign (0 of 4 stars; one submission).

Conditions:
COL6A1-related disorder. Also called: COL6A1-related condition.

Allele frequency attached by ClinVar (database versions not stated): gnomAD exomes 0.00016; ExAC 0.00057; gnomAD 0.00186; 1000 Genomes Project 30x 0.00328.

Submission:

PreventionGenetics, part of Exact Sciences
Classification: Likely benign for COL6A1-related condition. Last evaluated: 2020-01-17. Review status: no assertion criteria provided. Collection method: clinical testing. Allele origin: germline.
Comment: This variant is classified as likely benign based on ACMG/AMP sequence variant interpretation guidelines (Richards et al. 2015 PMID: 25741868, with internal and published modifications).

NM_001848.3(COL6A1):c.859-18_859-17insGA

Gene: COL6A1 (collagen type VI alpha 1 chain; plus strand). Cytogenetic location: 21q22.3.
Variant type: Insertion.
Coding change: c.859-18_859-17insGA on transcript NM_001848.3 (MANE Select); 18 bases into the intron before coding-DNA position 859 through 17 bases into the intron before coding-DNA position 859, GA inserted.
Molecular consequence: intron variant.
Genome position: GRCh38 VCF-style: chr21-45989590-T-TGA. GRCh37 (hg19) VCF-style: chr21-47409504-T-TGA.
Identifiers: ClinVar variation 3048842 (VCV003048842.2), dbSNP rs759266783, ClinGen allele CA10069813.